The following is an entry in ClinVar:

NM_033380.3(COL4A5):c.4856C>T (p.Ala1619Val)

Gene: COL4A5 (collagen type IV alpha 5 chain; plus strand). Cytogenetic location: Xq22.3.
Variant type: single nucleotide variant.
Coding change: c.4856C>T on transcript NM_033380.3 (MANE Select); coding-DNA position 4856, C replaced by T.
Protein change: p.Ala1619Val; replaces alanine 1619 with valine.
Molecular consequence: missense variant.
Genome position (GRCh38, 1-based): chrX:108,695,301, C>T. VCF-style: chrX-108695301-C-T. GRCh37 (hg19) VCF-style: chrX-107938531-C-T.
Other names: c.4838C>T, p.Ala1613Val (NM_000495.5); short protein forms A1613V, A1619V.
Identifiers: ClinVar variation 1943590 (VCV001943590.2), dbSNP rs2524653735, ClinGen allele CA414132713.

ClinVar aggregate classification (germline): Uncertain significance (1 of 4 stars; one submission).

Submission:

Labcorp Genetics (formerly Invitae), Labcorp
Classification: Uncertain significance. Last evaluated: 2021-04-13. Review status: criteria provided, single submitter. Criteria: Invitae Variant Classification Sherloc (09022015). Collection method: clinical testing. Allele origin: germline.
Comment: This sequence change replaces alanine with valine at codon 1613 of the COL4A5 protein (p.Ala1613Val). The alanine residue is highly conserved and there is a small physicochemical difference between alanine and valine. This variant is not present in population databases (ExAC no frequency). This variant has not been reported in the literature in individuals with COL4A5-related conditions. Algorithms developed to predict the effect of missense changes on protein structure and function (SIFT, PolyPhen-2, Align-GVGD) all suggest that this variant is likely to be disruptive, but these predictions have not been confirmed by published functional studies and their clinical significance is uncertain. In summary, the available evidence is currently insufficient to determine the role of this variant in disease. Therefore, it has been classified as a Variant of Uncertain Significance.